The following is an entry in ClinVar:

ClinVar aggregate classification (germline): Uncertain significance (1 of 4 stars; one submission).

gnomAD v4.1: 2 of 1,614,152 alleles (0.00012%); highest among the groups gnomAD compares: Non-Finnish European, 0.00017%; no homozygotes.

Submission:

Labcorp Genetics (formerly Invitae), Labcorp
Classification: Uncertain significance. Last evaluated: 2024-09-30. Review status: criteria provided, single submitter. Criteria: Invitae Variant Classification Sherloc (09022015). Collection method: clinical testing. Allele origin: germline.
Comment: This sequence change replaces threonine, which is neutral and polar, with serine, which is neutral and polar, at codon 674 of the ITGB3 protein (p.Thr674Ser). This variant is present in population databases (no rsID available, gnomAD 0.0009%). This variant has not been reported in the literature in individuals affected with ITGB3-related conditions. An algorithm developed to predict the effect of missense changes on protein structure and function outputs the following: PolyPhen-2: "Benign". The serine amino acid residue is found in multiple mammalian species, which suggests that this missense change does not adversely affect protein function. In summary, the available evidence is currently insufficient to determine the role of this variant in disease. Therefore, it has been classified as a Variant of Uncertain Significance.

NM_000212.3(ITGB3):c.2020A>T (p.Thr674Ser)

Gene: ITGB3 (integrin subunit beta 3; plus strand). Cytogenetic location: 17q21.32.
Variant type: single nucleotide variant.
Coding change: c.2020A>T on transcript NM_000212.3 (MANE Select); coding-DNA position 2020, A replaced by T.
Protein change: p.Thr674Ser; replaces threonine 674 with serine.
Molecular consequence: missense variant.
Genome position (GRCh38, 1-based): chr17:47,302,726, A>T. VCF-style: chr17-47302726-A-T. GRCh37 (hg19) VCF-style: chr17-45380092-A-T.
Other names: short protein forms T674S.
Identifiers: ClinVar variation 3667259 (VCV003667259.2).